The following is an entry in ClinVar:

ClinVar aggregate classification (germline): Uncertain significance (1 of 4 stars; one submission).

Submission:

GeneDx
Classification: Uncertain significance. Last evaluated: 2026-03-25. Review status: criteria provided, single submitter. Criteria: GeneDx Variant Classification Process June 2021. Collection method: clinical testing. Allele origin: germline.
Comment: Not observed at significant frequency in large population cohorts (gnomAD); Nonsense variant predicted to result in protein truncation or nonsense mediated decay in a gene or region of a gene for which loss of function is not a well-established mechanism of disease; Has not been previously published as pathogenic or benign to our knowledge

NM_003458.4(BSN):c.8365A>T (p.Lys2789Ter)

Gene: BSN (bassoon presynaptic cytomatrix protein; plus strand). Cytogenetic location: 3p21.31.
Variant type: single nucleotide variant.
Coding change: c.8365A>T on transcript NM_003458.4 (MANE Select); coding-DNA position 8365, A replaced by T.
Protein change: p.Lys2789Ter; replaces lysine 2789 with a stop codon.
Molecular consequence: nonsense.
Genome position (GRCh38, 1-based): chr3:49,657,921, A>T. VCF-style: chr3-49657921-A-T. GRCh37 (hg19) VCF-style: chr3-49695354-A-T.
Other names: short protein forms K2789*.
Identifiers: ClinVar variation 5017181 (VCV005017181.1).
Genomic context (GRCh38, chr3:49,657,921, plus strand): 5'-GGGTACCAGGCCCACCTGCCTCCGGAGTCTCTCTCACAGCTTGTGAGCCGCCAGCCTCCC[A>T]AGTCCCCTCAGGTCCTCTACTCACCAGTCTCACCCCTGTCCCCTCACCGGCTCCTGGACA-3'